The following is an entry in ClinVar:

ClinVar aggregate classification (germline): Uncertain significance (1 of 4 stars; one submission).

Conditions:
Hypertrophic cardiomyopathy. Also called: HYPERTROPHIC MYOCARDIOPATHY. Identifiers: Orphanet 217569, MedGen C0007194, MeSH D002312, MONDO:0005045, HP:0001639.

Submission:

Labcorp Genetics (formerly Invitae), Labcorp
Classification: Uncertain significance for Hypertrophic cardiomyopathy. Last evaluated: 2022-11-15. Review status: criteria provided, single submitter. Criteria: Invitae Variant Classification Sherloc (09022015). Collection method: clinical testing. Allele origin: germline.
Comment: This variant, c.5588_5593del, results in the deletion of 2 amino acid(s) of the MYH7 protein (p.Arg1863_Leu1864del), but otherwise preserves the integrity of the reading frame. This variant is not present in population databases (gnomAD no frequency). This variant has not been reported in the literature in individuals affected with MYH7-related conditions. Experimental studies and prediction algorithms are not available or were not evaluated, and the functional significance of this variant is currently unknown. In summary, the available evidence is currently insufficient to determine the role of this variant in disease. Therefore, it has been classified as a Variant of Uncertain Significance.

NM_000257.4(MYH7):c.5588_5593del (p.Arg1863_Leu1864del)

Gene: MYH7 (myosin heavy chain 7; minus strand). Cytogenetic location: 14q11.2.
Variant type: Deletion.
Coding change: c.5588_5593del on transcript NM_000257.4 (MANE Select); coding-DNA positions 5588 to 5593, 6 bases deleted (GGCTGC; older notation c.5588_5593delGGCTGC).
Protein change: p.Arg1863_Leu1864del.
Molecular consequence: inframe deletion.
Genome position (GRCh38, 1-based): chr14:23,414,069-23,414,074, GCAGCC deleted on the plus strand (GGCTGC on the coding strand, the reverse complement: MYH7 is on the minus strand); deleting any 6 consecutive bases within chr14:23,414,069-23,414,079 gives the same sequence; the c. name uses the placement nearest the transcript's 3' end. VCF-style (leftmost placement, unchanged base first): chr14-23414068-TGCAGCC-T. GRCh37 (hg19) VCF-style: chr14-23883277-TGCAGCC-T.
Other names: c.5588_5593del, p.Arg1863_Leu1864del (NM_001407004.1).
Identifiers: ClinVar variation 2814438 (VCV002814438.3), dbSNP rs2502234635, ClinGen allele CA2739277763.